The following is an entry in ClinVar:

NM_033453.4(ITPA):c.67-2A>G

Gene: ITPA (inosine triphosphatase; plus strand). Cytogenetic location: 20p13.
Variant type: single nucleotide variant.
Coding change: c.67-2A>G on transcript NM_033453.4 (MANE Select); the canonical splice acceptor site of the intron before coding-DNA position 67, A replaced by G.
Molecular consequence: splice acceptor variant. On other transcripts: intron variant (4).
Genome position (GRCh38, 1-based): chr20:3,213,167, A>G. VCF-style: chr20-3213167-A-G. GRCh37 (hg19) VCF-style: chr20-3193813-A-G.
Other names: c.-271-2A>G (NM_001324237.2); c.-274-91A>G (NM_001324238.2, NM_001324236.2, NM_001351739.2); c.67-2A>G (NM_001324240.2); c.67-818A>G (NM_001267623.2); c.16-2A>G (NM_181493.4).
Identifiers: ClinVar variation 2113025 (VCV002113025.4), dbSNP rs2514423508, ClinGen allele CA408076532.

ClinVar aggregate classification (germline): Likely pathogenic (1 of 4 stars; one submission).

Conditions:
Inosine triphosphatase deficiency. Also called: INOSINE TRIPHOSPHATE PYROPHOSPHOHYDROLASE DEFICIENCY. Identifiers: MedGen C0342800, MONDO:0013461, OMIM 613850.

Allele frequency attached by ClinVar (database versions not stated): gnomAD exomes below 0.00001.
gnomAD v4.1: 2 of 1,613,658 alleles (0.00012%); highest among the groups gnomAD compares: South Asian, 0.0011%; no homozygotes.

Submission:

Labcorp Genetics (formerly Invitae), Labcorp
Classification: Likely pathogenic for Inosine triphosphatase deficiency. Last evaluated: 2022-03-16. Review status: criteria provided, single submitter. Criteria: Invitae Variant Classification Sherloc (09022015). Collection method: clinical testing. Allele origin: germline.
Comment: This sequence change affects an acceptor splice site in intron 1 of the ITPA gene. It is expected to disrupt RNA splicing. Variants that disrupt the donor or acceptor splice site typically lead to a loss of protein function (PMID: 16199547), and loss-of-function variants in ITPA are known to be pathogenic (PMID: 26224535). This variant is not present in population databases (gnomAD no frequency). This variant has not been reported in the literature in individuals affected with ITPA-related conditions. Algorithms developed to predict the effect of sequence changes on RNA splicing suggest that this variant may disrupt the consensus splice site. In summary, the currently available evidence indicates that the variant is pathogenic, but additional data are needed to prove that conclusively. Therefore, this variant has been classified as Likely Pathogenic.

Literature cited by the submitters: PubMed 16199547; PubMed 26224535.